The following is an entry in ClinVar:

NM_015215.4(CAMTA1):c.1551C>T (p.Pro517=)

Gene: CAMTA1 (calmodulin binding transcription activator 1; plus strand). Cytogenetic location: 1p36.23.
Variant type: single nucleotide variant.
Coding change: c.1551C>T on transcript NM_015215.4 (MANE Select); coding-DNA position 1551, C replaced by T.
Protein change: p.Pro517=; no amino-acid change (proline 517 retained).
Molecular consequence: synonymous variant.
Genome position (GRCh38, 1-based): chr1:7,664,098, C>T. VCF-style: chr1-7664098-C-T. GRCh37 (hg19) VCF-style: chr1-7724158-C-T.
Other names: p.Pro517=; c.1461C>T, p.Pro487= (NM_001349608.2, NM_001349612.2); c.1551C>T, p.Pro517= (NM_001349609.2, NM_001349610.2).
Identifiers: ClinVar variation 729848 (VCV000729848.40), dbSNP rs144983513, ClinGen allele CA566463.

ClinVar aggregate classification (germline): Likely benign. Review status: criteria provided, multiple submitters, no conflicts (2 of 4 stars). 3 submissions from 3 submitters: Likely benign (3). Last evaluated 2025-07-15.

Allele frequency attached by ClinVar (database versions not stated): gnomAD 0.00012; TOPMed 0.00019; ESP Exome Variant Server 0.00031; 1000 Genomes Project 30x 0.00047.
gnomAD v4.1: 526 of 1,613,554 alleles (0.033%); highest among the groups gnomAD compares: Non-Finnish European, 0.041%; 1 homozygote.

Submissions (3):

Mayo Clinic Laboratories, Mayo Clinic
Classification: Likely benign. Last evaluated: 2025-07-15. Review status: criteria provided, single submitter. Criteria: ACMG Guidelines, 2015. Collection method: clinical testing. Allele origin: germline. Observed: 1 variant allele.
Comment: BS2, BP4, BP7

Labcorp Genetics (formerly Invitae), Labcorp
Classification: Likely benign. Last evaluated: 2025-04-03. Review status: criteria provided, single submitter. Criteria: Invitae Variant Classification Sherloc (09022015). Collection method: clinical testing. Allele origin: germline.

CeGaT Center for Human Genetics Tuebingen
Classification: Likely benign. Last evaluated: 2021-09-01. Review status: criteria provided, single submitter. Criteria: CeGaT Center For Human Genetics Tuebingen Variant Classification Criteria Version 2. Collection method: clinical testing. Allele origin: germline. Affected: yes. Observed: 1 variant allele.